The following is an entry in ClinVar:

NM_007194.4(CHEK2):c.762G>T (p.Arg254Ser)

Gene: CHEK2 (checkpoint kinase 2; minus strand). Cytogenetic location: 22q12.1.
Variant type: single nucleotide variant.
Coding change: c.762G>T on transcript NM_007194.4 (MANE Select); coding-DNA position 762, G replaced by T.
Protein change: p.Arg254Ser; replaces arginine 254 with serine.
Molecular consequence: missense variant.
Genome position (GRCh38, 1-based): chr22:28,711,939, C>A on the plus strand (G>T on the coding strand, the complement: CHEK2 is on the minus strand). VCF-style: chr22-28711939-C-A. GRCh37 (hg19) VCF-style: chr22-29107927-C-A.
Other names: c.891G>T, p.Arg297Ser (NM_001005735.3); c.99G>T, p.Arg33Ser (NM_001257387.3); c.561G>T, p.Arg187Ser (NM_001349956.3); c.762G>T, p.Arg254Ser (NM_145862.3); short protein forms R254S, R33S, R187S, R297S.
Identifiers: ClinVar variation 240753 (VCV000240753.18), dbSNP rs878854922, ClinGen allele CA10583909.

ClinVar aggregate classification (germline): Conflicting classifications of pathogenicity. Review status: criteria provided, conflicting classifications (1 of 4 stars). 4 submissions from 4 submitters: Likely pathogenic (2); Uncertain significance (2). Last evaluated 2025-10-09.

Conditions:
Hereditary cancer-predisposing syndrome. Also called: Tumor predisposition; Neoplastic Syndromes, Hereditary; Hereditary Cancer Syndrome; Hereditary neoplastic syndrome. Identifiers: Orphanet 140162, MedGen C0027672, MeSH D009386, MONDO:0015356.
Familial cancer of breast. Also called: Hereditary breast cancer; BREAST CANCER, FAMILIAL; hereditary breast carcinoma. Identifiers: Orphanet 227535, MedGen C0346153, MONDO:0016419, OMIM 114480. Disease mechanism: loss of function.

Submissions (4):

Ambry Genetics
Classification: Likely pathogenic for Hereditary cancer-predisposing syndrome. Last evaluated: 2025-10-09. Review status: criteria provided, single submitter. Criteria: Ambry Variant Classification Scheme 2023. Collection method: clinical testing. Allele origin: germline.
Comment: The c.762G>T variant (also known as p.R254S), located in coding exon 5 of the CHEK2 gene, results from a G to T substitution at nucleotide position 762. The arginine at codon 254 is replaced by serine, an amino acid with dissimilar properties. This nucleotide position is highly conserved in available vertebrate species. In silico splice site analysis predicts that this alteration will weaken the native splice donor site and will result in the creation or strengthening of a novel splice donor site. RNA studies have demonstrated that this alteration results in abnormal splicing in the set of samples tested (Ambry internal data). This variant is considered to be rare based on population cohorts in the Genome Aggregation Database (gnomAD). Based on the majority of available evidence to date, this variant is likely to be pathogenic.

Labcorp Genetics (formerly Invitae), Labcorp
Classification: Uncertain significance for Familial cancer of breast. Last evaluated: 2025-09-02. Review status: criteria provided, single submitter. Criteria: Invitae Variant Classification Sherloc (09022015). Collection method: clinical testing. Allele origin: germline.
Comment: This sequence change replaces arginine, which is basic and polar, with serine, which is neutral and polar, at codon 254 of the CHEK2 protein (p.Arg254Ser). RNA analysis indicates that this missense change induces altered splicing and may result in an absent or altered protein product. This variant is not present in population databases (gnomAD no frequency). This variant has not been reported in the literature in individuals affected with CHEK2-related conditions. ClinVar contains an entry for this variant (Variation ID: 240753). An algorithm developed to predict the effect of missense changes on protein structure and function (PolyPhen-2) suggests that this variant is likely to be tolerated. Studies have shown that this missense change results in activation of a cryptic splice site, and produces a non-functional protein and/or introduces a premature termination codon (internal data). In summary, the available evidence is currently insufficient to determine the role of this variant in disease. Therefore, it has been classified as a Variant of Uncertain Significance.

Myriad Genetics, Inc.
Classification: Likely pathogenic for Familial cancer of breast. Last evaluated: 2023-06-26. Review status: criteria provided, single submitter. Criteria: Myriad Autosomal Dominant, Autosomal Recessive and X-Linked Classification Criteria (2023). Collection method: clinical testing. Allele origin: unknown.
Comment: This variant is considered likely pathogenic. mRNA analysis has demonstrated abnormal mRNA splicing occurs [Myriad internal data].

Color Diagnostics, LLC DBA Color Health
Classification: Uncertain significance for Hereditary cancer-predisposing syndrome. Last evaluated: 2022-12-06. Review status: criteria provided, single submitter. Criteria: ACMG Guidelines, 2015. Collection method: clinical testing. Allele origin: germline.
Comment: This missense variant replaces arginine with serine at codon 254 of the CHEK2 protein. Computational prediction suggests that this variant may not impact protein structure and function (internally defined REVEL score threshold <= 0.5, PMID: 27666373). Splice site prediction tools suggest that this variant may impact RNA splicing by introducing a new splice donor site. This prediction has not been confirmed in published RNA studies. This variant has not been reported in individuals affected with hereditary cancer in the literature. This variant has not been identified in the general population by the Genome Aggregation Database (gnomAD). The available evidence is insufficient to determine the role of this variant in disease conclusively. Therefore, this variant is classified as a Variant of Uncertain Significance.